The following is an entry in ClinVar:

NM_004385.5(VCAN):c.2903A>G (p.Asp968Gly)

Gene: VCAN (versican; plus strand). Cytogenetic location: 5q14.3.
Variant type: single nucleotide variant.
Coding change: c.2903A>G on transcript NM_004385.5 (MANE Select); coding-DNA position 2903, A replaced by G.
Protein change: p.Asp968Gly; replaces aspartic acid 968 with glycine.
Molecular consequence: missense variant. On other transcripts: intron variant (2).
Genome position (GRCh38, 1-based): chr5:83,521,209, A>G. VCF-style: chr5-83521209-A-G. GRCh37 (hg19) VCF-style: chr5-82817028-A-G.
Other names: c.2903A>G, p.Asp968Gly (NM_001164098.2); c.1042+8813A>G (NM_001164097.2, NM_001126336.3); short protein forms D968G.
Identifiers: ClinVar variation 2085255 (VCV002085255.6), dbSNP rs192078390, ClinGen allele CA3332917.

ClinVar aggregate classification (germline): Conflicting classifications of pathogenicity. Review status: criteria provided, conflicting classifications (1 of 4 stars). 3 submissions from 3 submitters: Uncertain significance (1); Likely benign (2). Last evaluated 2026-09-01.

Allele frequency attached by ClinVar (database versions not stated): TOPMed 0.00001; gnomAD 0.00002; 1000 Genomes Project 30x 0.00016; 1000 Genomes Project 0.00020.
gnomAD v4.1: 12 of 1,613,458 alleles (0.00074%); highest among the groups gnomAD compares: Admixed American, 0.01%; no homozygotes.

Submissions (3):

CeGaT Center for Human Genetics Tuebingen
Classification: Likely benign. Last evaluated: 2026-09-01. Review status: criteria provided, single submitter. Criteria: CeGaT Center For Human Genetics Tuebingen Variant Classification Criteria Version 2. Collection method: clinical testing. Allele origin: germline. Affected: yes. Observed: 1 variant allele.
Comment: VCAN: BP4

Labcorp Genetics (formerly Invitae), Labcorp
Classification: Uncertain significance. Last evaluated: 2024-07-14. Review status: criteria provided, single submitter. Criteria: Invitae Variant Classification Sherloc (09022015). Collection method: clinical testing. Allele origin: germline.
Comment: This sequence change replaces aspartic acid, which is acidic and polar, with glycine, which is neutral and non-polar, at codon 968 of the VCAN protein (p.Asp968Gly). This variant is present in population databases (rs192078390, gnomAD 0.01%). This variant has not been reported in the literature in individuals affected with VCAN-related conditions. ClinVar contains an entry for this variant (Variation ID: 2085255). An algorithm developed to predict the effect of missense changes on protein structure and function (PolyPhen-2) suggests that this variant is likely to be disruptive. In summary, the available evidence is currently insufficient to determine the role of this variant in disease. Therefore, it has been classified as a Variant of Uncertain Significance.

Blueprint Genetics
Classification: Likely benign. Last evaluated: 2020-11-16. Review status: criteria provided, single submitter. Criteria: ACMG Guidelines, 2015. Collection method: clinical testing. Allele origin: germline.